The following is an entry in ClinVar:

NM_005188.4(CBL):c.1217C>T (p.Thr406Ile)

Gene: CBL (Cbl proto-oncogene; plus strand). Cytogenetic location: 11q23.3.
Variant type: single nucleotide variant.
Coding change: c.1217C>T on transcript NM_005188.4 (MANE Select); coding-DNA position 1217, C replaced by T.
Protein change: p.Thr406Ile; replaces threonine 406 with isoleucine.
Molecular consequence: missense variant.
Genome position (GRCh38, 1-based): chr11:119,278,287, C>T. VCF-style: chr11-119278287-C-T. GRCh37 (hg19) VCF-style: chr11-119148997-C-T.
Other names: short protein forms T406I.
Identifiers: ClinVar variation 1441662 (VCV001441662.9), dbSNP rs757834577, ClinGen allele CA6318453.

ClinVar aggregate classification (germline): Uncertain significance. Review status: criteria provided, multiple submitters, no conflicts (2 of 4 stars). 2 submissions from 2 submitters: Uncertain significance (2). Last evaluated 2025-03-26.

Conditions:
RASopathy. Also called: rasopathies; Noonan spectrum disorder. Identifiers: Orphanet 536391, MedGen C5555857, MONDO:0021060.

Allele frequency attached by ClinVar (database versions not stated): gnomAD exomes below 0.00001 and 0.00001; ExAC 0.00002.
gnomAD v4.1: 4 of 1,614,052 alleles (0.00025%); highest among the groups gnomAD compares: South Asian, 0.0044%; no homozygotes.

Submissions (2):

ARUP Laboratories, Molecular Genetics and Genomics, ARUP Laboratories
Classification: Uncertain significance. Last evaluated: 2025-03-26. Review status: criteria provided, single submitter. Criteria: ARUP Molecular Germline Variant Investigation Process 2024. Collection method: clinical testing. Allele origin: germline.
Comment: The CBL c.1217C>T; p.Thr406Ile variant (rs757834577), to our knowledge, is not reported in the medical literature but is reported in ClinVar (Variation ID: 1441662). This variant is only observed on three alleles in the Genome Aggregation Database (v2.1.1), indicating it is not a common polymorphism. Computational analyses are uncertain whether this variant is neutral or deleterious (REVEL: 0.662). Due to limited information, the clinical significance of this variant is uncertain at this time.

Labcorp Genetics (formerly Invitae), Labcorp
Classification: Uncertain significance for RASopathy. Last evaluated: 2023-10-11. Review status: criteria provided, single submitter. Criteria: Invitae Variant Classification Sherloc (09022015). Collection method: clinical testing. Allele origin: germline.
Comment: This sequence change replaces threonine, which is neutral and polar, with isoleucine, which is neutral and non-polar, at codon 406 of the CBL protein (p.Thr406Ile). This variant is present in population databases (rs757834577, gnomAD 0.01%). This variant has not been reported in the literature in individuals affected with CBL-related conditions. ClinVar contains an entry for this variant (Variation ID: 1441662). Advanced modeling of protein sequence and biophysical properties (such as structural, functional, and spatial information, amino acid conservation, physicochemical variation, residue mobility, and thermodynamic stability) performed at Invitae indicates that this missense variant is not expected to disrupt CBL protein function. In summary, the available evidence is currently insufficient to determine the role of this variant in disease. Therefore, it has been classified as a Variant of Uncertain Significance.